The following is an entry in ClinVar:

ClinVar aggregate classification (germline): Uncertain significance (1 of 4 stars; one submission).

Conditions:
Short stature-brachydactyly-obesity-global developmental delay syndrome. Also called: Short stature, brachydactyly, intellectual developmental disability, and seizures; SHORT STATURE, BRACHYDACTYLY, IMPAIRED INTELLECTUAL DEVELOPMENT, AND SEIZURES. Identifiers: Orphanet 464288, MedGen C4310689, MONDO:0014944, OMIM 617157.

Submission:

3billion
Classification: Uncertain significance for Short stature-brachydactyly-obesity-global developmental delay syndrome. Last evaluated: 2025-11-30. Review status: criteria provided, single submitter. Criteria: ACMG Guidelines, 2015. Collection method: clinical testing. Allele origin: germline. Affected: yes.
Comment: The variant is observed at an extremely low frequency in the gnomAD v4.1.0 dataset (total allele frequency: <0.001%). Predicted Consequence/Location: Canonical splice site: predicted to alter splicing and result in a loss or disruption of normal protein function. The predicted truncated protein may be shortened by less than 10%. In silico tools predict the variant to alter splicing and produce an abnormal transcript [SpliceAI: 0.99 (spliceogenicity >=0.2, non-spliceogenicity <0.1)]. Therefore, this variant is classified as VUS according to the recommendation of ACMG/AMP guideline.

NM_019023.5(PRMT7):c.1913del

Gene: PRMT7 (protein arginine methyltransferase 7; plus strand). Cytogenetic location: 16q22.1.
Variant type: Deletion.
Coding change: c.1913del on transcript NM_019023.5 (MANE Select); coding-DNA position 1913, one base deleted (G; older notation c.1913delG).
Molecular consequence: splice acceptor variant.
Genome position (GRCh38, 1-based): chr16:68,357,058, G deleted; the last of 6 consecutive G bases (chr16:68,357,053-68,357,058); deleting any one gives the same sequence. VCF-style (leftmost placement, unchanged base first): chr16-68357052-AG-A. GRCh37 (hg19) VCF-style: chr16-68390955-AG-A.
Identifiers: ClinVar variation 4855569 (VCV004855569.1).